The following is an entry in ClinVar:

NM_001166108.2(PALLD):c.2748C>T (p.Asp916=)

Genes: CBR4 (carbonyl reductase 4; minus strand), PALLD (palladin, cytoskeletal associated protein; plus strand). Cytogenetic location: 4q32.3.
Variant type: single nucleotide variant.
Coding change: c.2748C>T on transcript NM_001166108.2 (MANE Select); coding-DNA position 2748, C replaced by T.
Protein change: p.Asp916=; no amino-acid change (aspartic acid 916 retained).
Molecular consequence: synonymous variant.
Genome position (GRCh38, 1-based): chr4:168,915,925, C>T. VCF-style: chr4-168915925-C-T. GRCh37 (hg19) VCF-style: chr4-169837076-C-T.
Other names: c.1551C>T, p.Asp517= (NM_001166109.2); c.1236C>T, p.Asp412= (NM_001166110.2); c.576C>T, p.Asp192= (NM_001367567.1, NM_001367569.1); c.627C>T, p.Asp209= (NM_001367568.1, NM_001367570.1); c.2697C>T, p.Asp899= (NM_016081.4).
Identifiers: ClinVar variation 135996 (VCV000135996.16), dbSNP rs143544548, ClinGen allele CA332721.
Genomic context (GRCh38, chr4:168,915,925, plus strand): 5'-CTATCTATCTGTCATCTTTCTTGTTTCAAGGCCTCGTTCTAGATCAAGGGACAGTGGAGA[C>T]GAAAATGAACCAATTCAGGAGCGATTCTTCAGACCTCACTTCTTGCAGGCTCCTGGAGAT-3'
Protein context (NP_001159580.1, residues 906-926): RPRSRSRDSG[Asp916=]ENEPIQERFF

ClinVar aggregate classification (germline): Benign/Likely benign. Review status: criteria provided, multiple submitters, no conflicts (2 of 4 stars). 4 submissions from 4 submitters: Benign (2); Likely benign (2). Last evaluated 2026-08-11.

Conditions:
PALLD-related disorder. Also called: PALLD-related condition.
Pancreatic adenocarcinoma. Identifiers: MedGen C0281361, MONDO:0006047, HP:0006725.

Allele frequency attached by ClinVar (database versions not stated): gnomAD exomes 0.00015; ExAC 0.00021; ESP Exome Variant Server 0.00038; gnomAD 0.00039 and 0.00041; TOPMed 0.00053; 1000 Genomes Project 0.00060; 1000 Genomes Project 30x 0.00062.
gnomAD v4.1: 185 of 1,612,970 alleles (0.011%); highest among the groups gnomAD compares: African/African-American, 0.17%; 1 homozygote.

Submissions (4):

PreventionGenetics, part of Exact Sciences
Classification: Likely benign for PALLD-related condition. Last evaluated: 2026-08-11. Review status: criteria provided, single submitter. Criteria: ACMG Guidelines, 2015. Collection method: clinical testing. Allele origin: germline.
Comment: This variant is classified as likely benign based on ACMG/AMP sequence variant interpretation guidelines (Richards et al. 2015 PMID: 25741868, with internal and published modifications).

Labcorp Genetics (formerly Invitae), Labcorp
Classification: Benign for Pancreatic adenocarcinoma. Last evaluated: 2026-01-05. Review status: criteria provided, single submitter. Criteria: Invitae Variant Classification Sherloc (09022015). Collection method: clinical testing. Allele origin: germline.

Ambry Genetics
Classification: Likely benign. Last evaluated: 2022-02-14. Review status: criteria provided, single submitter. Criteria: Ambry Variant Classification Scheme 2023. Collection method: clinical testing. Allele origin: germline.

Breakthrough Genomics
Classification: Benign. Review status: criteria provided, single submitter. Criteria: ACMG Guidelines, 2015. Collection method: not provided. Allele origin: germline. Inheritance: Autosomal dominant inheritance. Affected: yes.